The following is an entry in ClinVar:

NM_000330.4(RS1):c.385_387del (p.Glu129del)

Genes: CDKL5 (cyclin dependent kinase like 5; plus strand), RS1 (retinoschisin 1; minus strand). Cytogenetic location: Xp22.13.
Variant type: Deletion.
Coding change: c.385_387del on transcript NM_000330.4 (MANE Select); coding-DNA positions 385 to 387, 3 bases deleted (GAG; older notation c.385_387delGAG).
Protein change: p.Glu129del; deletes glutamic acid 129.
Molecular consequence: inframe deletion. On other transcripts: intron variant (2).
Genome position (GRCh38, 1-based): chrX:18,644,565-18,644,567, CTC deleted on the plus strand (GAG on the coding strand, the reverse complement: RS1 is on the minus strand); deleting any 3 consecutive bases within chrX:18,644,565-18,644,569 gives the same sequence; the c. name uses the placement nearest the transcript's 3' end. VCF-style (leftmost placement, unchanged base first): chrX-18644564-TCTC-T. GRCh37 (hg19) VCF-style: chrX-18662684-TCTC-T.
Other names: c.2714-1440_2714-1438del (NM_003159.3, NM_001037343.2); short protein forms E129del.
Identifiers: ClinVar variation 1359756 (VCV001359756.10), dbSNP rs1927702371, ClinGen allele CA2417987305.

ClinVar aggregate classification (germline): Uncertain significance (1 of 4 stars; one submission).

Submission:

Labcorp Genetics (formerly Invitae), Labcorp
Classification: Uncertain significance. Last evaluated: 2024-07-02. Review status: criteria provided, single submitter. Criteria: Invitae Variant Classification Sherloc (09022015). Collection method: clinical testing. Allele origin: germline.
Comment: This variant, c.385_387del, results in the deletion of 1 amino acid(s) of the RS1 protein (p.Glu129del), but otherwise preserves the integrity of the reading frame. This variant is not present in population databases (gnomAD no frequency). This variant has not been reported in the literature in individuals affected with RS1-related conditions. ClinVar contains an entry for this variant (Variation ID: 1359756). Experimental studies and prediction algorithms are not available or were not evaluated, and the functional significance of this variant is currently unknown. In summary, the available evidence is currently insufficient to determine the role of this variant in disease. Therefore, it has been classified as a Variant of Uncertain Significance.